The following is an entry in ClinVar:

ClinVar aggregate classification (germline): Uncertain significance (1 of 4 stars; one submission).

Submission:

CeGaT Center for Human Genetics Tuebingen
Classification: Uncertain significance. Last evaluated: 2025-07-01. Review status: criteria provided, single submitter. Criteria: CeGaT Center For Human Genetics Tuebingen Variant Classification Criteria Version 2. Collection method: clinical testing. Allele origin: germline. Affected: yes. Observed: 1 variant allele.
Comment: NPM1: PM2, PP2

NM_002520.7(NPM1):c.805A>G (p.Ile269Val)

Gene: NPM1 (nucleophosmin 1; plus strand). Cytogenetic location: 5q35.1.
Variant type: single nucleotide variant.
Coding change: c.805A>G on transcript NM_002520.7 (MANE Select); coding-DNA position 805, A replaced by G.
Protein change: p.Ile269Val; replaces isoleucine 269 with valine.
Molecular consequence: missense variant. On other transcripts: non-coding transcript variant (1).
Genome position (GRCh38, 1-based): chr5:171,407,733, A>G. VCF-style: chr5-171407733-A-G. GRCh37 (hg19) VCF-style: chr5-170834737-A-G.
Other names: c.805A>G, p.Ile269Val (NM_001355006.2); c.613A>G, p.Ile205Val (NM_001355007.2); c.424A>G, p.Ile142Val (NM_001355010.2); c.718A>G, p.Ile240Val (NM_199185.4); short protein forms I142V, I205V, I240V, I269V.
Identifiers: ClinVar variation 4085527 (VCV004085527.8).
Genomic context (GRCh38, chr5:171,407,733, plus strand): 5'-CCTGTAATAATGCTTTTGTCTTAATAGGGTGGTTCTCTTCCCAAAGTGGAAGCCAAATTC[A>G]TCAATTATGTGAAGAATTGCTTCCGGATGACTGACCAAGAGGTAACTGGATTTTCTGGGG-3'
Protein context (NP_002511.1, residues 259-279): GSLPKVEAKF[Ile269Val]NYVKNCFRMT